The following is an entry in ClinVar:

ClinVar aggregate classification (germline): Uncertain significance (1 of 4 stars; one submission).

Allele frequency attached by ClinVar (database versions not stated): gnomAD 0.00001; gnomAD exomes 0.00003; ExAC 0.00007.
gnomAD v4.1: 50 of 1,613,060 alleles (0.0031%); highest among the groups gnomAD compares: South Asian, 0.051%; no homozygotes.

Submission:

Labcorp Genetics (formerly Invitae), Labcorp
Classification: Uncertain significance. Last evaluated: 2024-08-12. Review status: criteria provided, single submitter. Criteria: Invitae Variant Classification Sherloc (09022015). Collection method: clinical testing. Allele origin: germline.
Comment: This sequence change replaces leucine, which is neutral and non-polar, with proline, which is neutral and non-polar, at codon 754 of the ERCC6 protein (p.Leu754Pro). This variant is present in population databases (rs754891486, gnomAD 0.06%). This variant has not been reported in the literature in individuals affected with ERCC6-related conditions. ClinVar contains an entry for this variant (Variation ID: 1948860). Advanced modeling of protein sequence and biophysical properties (such as structural, functional, and spatial information, amino acid conservation, physicochemical variation, residue mobility, and thermodynamic stability) has been performed at Invitae for this missense variant, however the output from this modeling did not meet the statistical confidence thresholds required to predict the impact of this variant on ERCC6 protein function. In summary, the available evidence is currently insufficient to determine the role of this variant in disease. Therefore, it has been classified as a Variant of Uncertain Significance.

NM_000124.4(ERCC6):c.2261T>C (p.Leu754Pro)

Gene: ERCC6 (ERCC excision repair 6, chromatin remodeling factor; minus strand). Cytogenetic location: 10q11.23.
Variant type: single nucleotide variant.
Coding change: c.2261T>C on transcript NM_000124.4 (MANE Select); coding-DNA position 2261, T replaced by C.
Protein change: p.Leu754Pro; replaces leucine 754 with proline.
Molecular consequence: missense variant.
Genome position (GRCh38, 1-based): chr10:49,478,379, A>G on the plus strand (T>C on the coding strand, the complement: ERCC6 is on the minus strand). VCF-style: chr10-49478379-A-G. GRCh37 (hg19) VCF-style: chr10-50686425-A-G.
Other names: c.2261T>C, p.Leu754Pro (NM_001346440.2); short protein forms L754P.
Identifiers: ClinVar variation 1948860 (VCV001948860.3), dbSNP rs754891486, ClinGen allele CA5495717.
Genomic context (GRCh38, chr10:49,478,379, plus strand): 5'-TTAGGAATGCTTCGTTAACTCCTGGATTTACAGACCTGTTCATTTTTATCTGGCAAAGAA[A>G]GGCTCATCTTGACATCTGACTTCATTCTCCGCAGTAGGTATGGATTTATGGTATCTCGTA-3'
Protein context (NP_000115.1, residues 744-764): RRMKSDVKMS[Leu754Pro]SLPDKNEQVL